The following is an entry in ClinVar:

NM_001242896.3(DEPDC5):c.2633+5G>A

Gene: DEPDC5 (DEP domain containing 5, GATOR1 subcomplex subunit; plus strand). Cytogenetic location: 22q12.3.
Variant type: single nucleotide variant.
Coding change: c.2633+5G>A on transcript NM_001242896.3 (MANE Select); 5 bases into the intron after coding-DNA position 2633, G replaced by A.
Molecular consequence: intron variant.
Genome position (GRCh38, 1-based): chr22:31,843,217, G>A. VCF-style: chr22-31843217-G-A. GRCh37 (hg19) VCF-style: chr22-32239203-G-A.
Other names: c.2633+5G>A (NM_001364318.2, NM_001363852.2, NM_001364320.2); c.2606+5G>A (NM_001136029.4, NM_014662.6, NM_001369903.1); c.2399+5G>A (NM_001363854.2, NM_001242897.2, NM_001364319.2); c.2549+5G>A (NM_001369902.1, NM_001369901.1).
Identifiers: ClinVar variation 1522392 (VCV001522392.6), dbSNP rs2149004867, ClinGen allele CA2573157980.
Genomic context (GRCh38, chr22:31,843,217, plus strand): 5'-TTCCACAAAGTGACGCTGAAGGATAAGATGATCACAGTGACGCGATACCTTCCCAAGTGA[G>A]TATTTGGATATTTAAAGTCTTCAGTTATTGTCCTGAATTATGGCCACATACTAAATTGTG-3'

ClinVar aggregate classification (germline): Uncertain significance (1 of 4 stars; one submission).

Conditions:
Familial focal epilepsy with variable foci (FPEVF). Identifiers: Orphanet 98820, MedGen C1858477, MONDO:0020310.

gnomAD v4.1: 1 of 1,612,470 alleles (0.000062%); highest among the groups gnomAD compares: Non-Finnish European, 0.000085%; no homozygotes.

Submission:

Labcorp Genetics (formerly Invitae), Labcorp
Classification: Uncertain significance for Familial focal epilepsy with variable foci. Last evaluated: 2021-10-28. Review status: criteria provided, single submitter. Criteria: Invitae Variant Classification Sherloc (09022015). Collection method: clinical testing. Allele origin: germline.
Comment: This sequence change falls in intron 28 of the DEPDC5 gene. It does not directly change the encoded amino acid sequence of the DEPDC5 protein. It affects a nucleotide within the consensus splice site. This variant is not present in population databases (gnomAD no frequency). This variant has not been reported in the literature in individuals affected with DEPDC5-related conditions. Variants that disrupt the consensus splice site are a relatively common cause of aberrant splicing (PMID: 17576681, 9536098). Algorithms developed to predict the effect of sequence changes on RNA splicing suggest that this variant may disrupt the consensus splice site. In summary, the available evidence is currently insufficient to determine the role of this variant in disease. Therefore, it has been classified as a Variant of Uncertain Significance.

Literature cited by the submitters: PubMed 17576681; PubMed 9536098.